The following is an entry in ClinVar:

NM_174936.4(PCSK9):c.370G>A (p.Val124Met)

Gene: PCSK9 (proprotein convertase subtilisin/kexin type 9; plus strand). Cytogenetic location: 1p32.3.
Variant type: single nucleotide variant.
Coding change: c.370G>A on transcript NM_174936.4 (MANE Select); coding-DNA position 370, G replaced by A.
Protein change: p.Val124Met; replaces valine 124 with methionine.
Molecular consequence: missense variant. On other transcripts: 5 prime UTR variant (1), non-coding transcript variant (6), intron variant (1).
Genome position (GRCh38, 1-based): chr1:55,044,005, G>A. VCF-style: chr1-55044005-G-A. GRCh37 (hg19) VCF-style: chr1-55509678-G-A.
Other names: c.493G>A, p.Val165Met (NM_001407240.1); c.370G>A, p.Val124Met (NM_001407241.1, NM_001407242.1, NM_001407243.1 and 2 more transcripts); c.-6G>A (NM_001407246.1); c.208-2518G>A (NM_001407245.1); short protein forms V124M, V165M.
Identifiers: ClinVar variation 3075370 (VCV003075370.1), dbSNP rs2523184533, ClinGen allele CA340483829.

ClinVar aggregate classification (germline): Uncertain significance (1 of 4 stars; one submission).

Conditions:
Hypercholesterolemia, autosomal dominant, 3 (FHCL3). Also called: Familial Hypercholesterolemia, Autosomal Dominant, 3; PCSK9-Related Familial Hypercholesterolemia, Autosomal Dominant; Familial hypercholesterolemia 3. Identifiers: MedGen C1863551, MONDO:0011369, OMIM 603776.

Submission:

All of Us Research Program, National Institutes of Health
Classification: Uncertain significance for Hypercholesterolemia, autosomal dominant, 3. Last evaluated: 2024-01-11. Review status: criteria provided, single submitter. Criteria: ACMG Guidelines, 2015. Collection method: clinical testing. Allele origin: germline. Inheritance: Autosomal dominant inheritance. Observed: 1 variant allele, 1 heterozygote.
Comment: This study involves interpretation of variants in research participants for the purpose of population health screening. Participant phenotype was not available at the time of variant classification. Additional details can be found in publication PMID: 35346344, PMCID: PMC8962531